The following is an entry in ClinVar:

ClinVar aggregate classification (germline): Uncertain significance (1 of 4 stars; one submission).

Submission:

GeneDx
Classification: Uncertain significance. Last evaluated: 2023-04-25. Review status: criteria provided, single submitter. Criteria: GeneDx Variant Classification Process June 2021. Collection method: clinical testing. Allele origin: germline. Affected: yes.
Comment: Not observed at significant frequency in large population cohorts (gnomAD); In silico analysis supports that this missense variant has a deleterious effect on protein structure/function; Has not been previously published as pathogenic or benign to our knowledge

NM_014112.5(TRPS1):c.1673C>T (p.Pro558Leu)

Gene: TRPS1 (transcriptional repressor GATA binding 1; minus strand). Cytogenetic location: 8q23.3.
Variant type: single nucleotide variant.
Coding change: c.1673C>T on transcript NM_014112.5 (MANE Select); coding-DNA position 1673, C replaced by T.
Protein change: p.Pro558Leu; replaces proline 558 with leucine.
Molecular consequence: missense variant.
Genome position (GRCh38, 1-based): chr8:115,604,296, G>A on the plus strand (C>T on the coding strand, the complement: TRPS1 is on the minus strand). VCF-style: chr8-115604296-G-A. GRCh37 (hg19) VCF-style: chr8-116616523-G-A.
Other names: c.1646C>T, p.Pro549Leu (NM_001282902.3); c.1652C>T, p.Pro551Leu (NM_001282903.3); c.1634C>T, p.Pro545Leu (NM_001330599.2); short protein forms P545L, P549L, P551L, P558L.
Identifiers: ClinVar variation 1675281 (VCV001675281.3), dbSNP rs2130491644, ClinGen allele CA372066875.